The following is an entry in ClinVar:

ClinVar aggregate classification (germline): Uncertain significance (1 of 4 stars; one submission).

Conditions:
Cardiovascular phenotype. Identifiers: MedGen CN230736.

Allele frequency attached by ClinVar (database versions not stated): gnomAD exomes below 0.00001.
gnomAD v4.1: 1 of 1,557,240 alleles (0.000064%); highest among the groups gnomAD compares: Non-Finnish European, 0.000087%; no homozygotes.

Submission:

Ambry Genetics
Classification: Uncertain significance for Cardiovascular phenotype. Last evaluated: 2021-06-12. Review status: criteria provided, single submitter. Criteria: Ambry Variant Classification Scheme 2023. Collection method: clinical testing. Allele origin: germline.
Comment: The p.G785S variant (also known as c.2353G>A), located in coding exon 17 of the TRPM4 gene, results from a G to A substitution at nucleotide position 2353. The glycine at codon 785 is replaced by serine, an amino acid with similar properties. This amino acid position is conserved. In addition, the in silico prediction for this alteration is inconclusive. Since supporting evidence is limited at this time, the clinical significance of this alteration remains unclear.

NM_017636.4(TRPM4):c.2353G>A (p.Gly785Ser)

Gene: TRPM4 (transient receptor potential cation channel subfamily M member 4; plus strand). Cytogenetic location: 19q13.33.
Variant type: single nucleotide variant.
Coding change: c.2353G>A on transcript NM_017636.4 (MANE Select); coding-DNA position 2353, G replaced by A.
Protein change: p.Gly785Ser; replaces glycine 785 with serine.
Molecular consequence: missense variant. On other transcripts: intron variant (1).
Genome position (GRCh38, 1-based): chr19:49,196,582, G>A. VCF-style: chr19-49196582-G-A. GRCh37 (hg19) VCF-style: chr19-49699839-G-A.
Other names: c.2008G>A, p.Gly670Ser (NM_001321281.2); c.745G>A, p.Gly249Ser (NM_001321282.2); c.1831G>A, p.Gly611Ser (NM_001321283.2); c.1291G>A, p.Gly431Ser (NM_001321285.2); c.2211-3718G>A (NM_001195227.2); short protein forms G249S, G611S, G431S, G670S, G785S.
Identifiers: ClinVar variation 1790048 (VCV001790048.2), dbSNP rs1968650729, ClinGen allele CA406808974.